The following is an entry in ClinVar:

NM_001277115.2(DNAH11):c.613A>G (p.Lys205Glu)

Gene: DNAH11 (dynein axonemal heavy chain 11; plus strand). Cytogenetic location: 7p15.3.
Variant type: single nucleotide variant.
Coding change: c.613A>G on transcript NM_001277115.2 (MANE Select); coding-DNA position 613, A replaced by G.
Protein change: p.Lys205Glu; replaces lysine 205 with glutamic acid.
Molecular consequence: missense variant.
Genome position (GRCh38, 1-based): chr7:21,558,919, A>G. VCF-style: chr7-21558919-A-G. GRCh37 (hg19) VCF-style: chr7-21598537-A-G.
Other names: short protein forms K205E.
Identifiers: ClinVar variation 4805372 (VCV004805372.1).

ClinVar aggregate classification (germline): Uncertain significance (1 of 4 stars; one submission).

Conditions:
Primary ciliary dyskinesia. Also called: Ciliary dyskinesia. Identifiers: Orphanet 244, MedGen C0008780, MONDO:0016575, HP:0012265.

gnomAD v4.1: 1 of 1,600,074 alleles (0.000062%); highest among the groups gnomAD compares: Non-Finnish European, 0.000085%; no homozygotes.

Submission:

Labcorp Genetics (formerly Invitae), Labcorp
Classification: Uncertain significance for Primary ciliary dyskinesia. Last evaluated: 2025-07-23. Review status: criteria provided, single submitter. Criteria: Invitae Variant Classification Sherloc (09022015). Collection method: clinical testing. Allele origin: germline.
Comment: This sequence change replaces lysine, which is basic and polar, with glutamic acid, which is acidic and polar, at codon 205 of the DNAH11 protein (p.Lys205Glu). This variant is not present in population databases (gnomAD no frequency). This variant has not been reported in the literature in individuals affected with DNAH11-related conditions. Invitae Evidence Modeling of protein sequence and biophysical properties (such as structural, functional, and spatial information, amino acid conservation, physicochemical variation, residue mobility, and thermodynamic stability) indicates that this missense variant is not expected to disrupt DNAH11 protein function with a negative predictive value of 95%. In summary, the available evidence is currently insufficient to determine the role of this variant in disease. Therefore, it has been classified as a Variant of Uncertain Significance.